The following is an entry in ClinVar:

NM_002691.4(POLD1):c.2932_2934del (p.Arg978del)

Gene: POLD1 (DNA polymerase delta 1, catalytic subunit; plus strand). Cytogenetic location: 19q13.33.
Variant type: Deletion.
Coding change: c.2932_2934del on transcript NM_002691.4 (MANE Select); coding-DNA positions 2932 to 2934, 3 bases deleted (CGT; older notation c.2932_2934delCGT).
Protein change: p.Arg978del; deletes arginine 978.
Molecular consequence: inframe deletion. On other transcripts: non-coding transcript variant (1).
Genome position (GRCh38, 1-based): chr19:50,416,507-50,416,509, CGT deleted. VCF-style (leftmost placement, unchanged base first): chr19-50416506-CCGT-C. GRCh37 (hg19) VCF-style: chr19-50919763-CCGT-C.
Other names: c.2932_2934del, p.Arg978del (NM_001256849.1); c.3010_3012del, p.Arg1004del (NM_001308632.1); short protein forms R1004del, R978del.
Identifiers: ClinVar variation 570419 (VCV000570419.10), dbSNP rs1568640013, ClinGen allele CA891844280.

ClinVar aggregate classification (germline): Uncertain significance (1 of 4 stars; one submission).

Conditions:
POLD1-related polyposis and colorectal cancer syndrome (CRCS10). Also called: Colorectal cancer 10; COLORECTAL CANCER, SUSCEPTIBILITY TO, ON CHROMOSOME 19q; Colorectal cancer, susceptibility to, 10. Identifiers: Orphanet 220460, MedGen C2675481, MONDO:0012953, OMIM 612591.

Submission:

Labcorp Genetics (formerly Invitae), Labcorp
Classification: Uncertain significance for POLD1-related polyposis and colorectal cancer syndrome. Last evaluated: 2019-03-07. Review status: criteria provided, single submitter. Criteria: Invitae Variant Classification Sherloc (09022015). Collection method: clinical testing. Allele origin: germline.
Comment: In summary, the available evidence is currently insufficient to determine the role of this variant in disease. Therefore, it has been classified as a Variant of Uncertain Significance. Experimental studies and prediction algorithms are not available for this variant, and the functional significance of the deleted amino acid is currently unknown. This variant has not been reported in the literature in individuals with POLD1-related disease. This variant is not present in population databases (ExAC no frequency). This variant, c.2932_2934delCGT, results in the deletion of 1 amino acid of the POLD1 protein (p.Arg978del), but otherwise preserves the integrity of the reading frame.